The following is an entry in ClinVar:

ClinVar aggregate classification (germline): Pathogenic/Likely pathogenic. Review status: criteria provided, multiple submitters, no conflicts (2 of 4 stars). 2 submissions from 2 submitters: Pathogenic (1); Likely pathogenic (1). Last evaluated 2025-04-30.

Conditions:
Familial thoracic aortic aneurysm and aortic dissection (TAAD). Also called: Thoracic aortic aneurysms and dissections. Identifiers: Orphanet 91387, MedGen C4707243, MONDO:0019625.

Submissions (2):

GeneDx
Classification: Likely pathogenic. Last evaluated: 2025-04-30. Review status: criteria provided, single submitter. Criteria: GeneDx Variant Classification Process June 2021. Collection method: clinical testing. Allele origin: germline. Affected: yes.
Comment: Has not been previously published as pathogenic or benign to our knowledge; Canonical splice site variant predicted to result in a null allele in a gene for which loss of function is a known mechanism of disease; Not observed at significant frequency in large population cohorts (gnomAD)

Labcorp Genetics (formerly Invitae), Labcorp
Classification: Pathogenic for Familial thoracic aortic aneurysm and aortic dissection. Last evaluated: 2025-01-27. Review status: criteria provided, single submitter. Criteria: Invitae Variant Classification Sherloc (09022015). Collection method: clinical testing. Allele origin: germline.
Comment: This sequence change affects an acceptor splice site in intron 7 of the SMAD3 gene. It is expected to disrupt RNA splicing. Variants that disrupt the donor or acceptor splice site typically lead to a loss of protein function (PMID: 16199547), and loss-of-function variants in SMAD3 are known to be pathogenic (PMID: 21778426, 24804794). This variant is not present in population databases (gnomAD no frequency). Disruption of this splice site has been observed in individuals with clinical features consistent with thoracic aortic aneurysm and dissection (PMID: 29907982; internal data). ClinVar contains an entry for this variant (Variation ID: 1254672). Algorithms developed to predict the effect of sequence changes on RNA splicing suggest that this variant may disrupt the consensus splice site. For these reasons, this variant has been classified as Pathogenic.

Literature cited by the submitters: PubMed 16199547 (cited by Labcorp Genetics (formerly Invitae), Labcorp); PubMed 21778426 (cited by Labcorp Genetics (formerly Invitae), Labcorp); PubMed 24804794 (cited by Labcorp Genetics (formerly Invitae), Labcorp); PubMed 29907982 (cited by Labcorp Genetics (formerly Invitae), Labcorp).

NM_005902.4(SMAD3):c.1010-1G>C

Gene: SMAD3 (SMAD family member 3; plus strand). Cytogenetic location: 15q22.33.
Variant type: single nucleotide variant.
Coding change: c.1010-1G>C on transcript NM_005902.4 (MANE Select); the canonical splice acceptor site of the intron before coding-DNA position 1010, G replaced by C.
Molecular consequence: splice acceptor variant.
Genome position (GRCh38, 1-based): chr15:67,187,364, G>C. VCF-style: chr15-67187364-G-C. GRCh37 (hg19) VCF-style: chr15-67479702-G-C.
Other names: c.1121-1G>C (NM_001407011.1); c.872-1G>C (NM_001407013.1); c.878-1G>C (NM_001407012.1, NM_001145103.2); c.863-1G>C (NM_001407014.1); c.695-1G>C (NM_001145102.2, NM_001407016.1); c.563-1G>C (NM_001407015.1); c.425-1G>C (NM_001145104.2, NM_001407017.1).
Identifiers: ClinVar variation 1254672 (VCV001254672.9), dbSNP rs2140323368, ClinGen allele CA392958043.